The following is an entry in ClinVar:

NM_001563.4(IMPG1):c.1207A>G (p.Thr403Ala)

Gene: IMPG1 (interphotoreceptor matrix proteoglycan 1; minus strand). Cytogenetic location: 6q14.1.
Variant type: single nucleotide variant.
Coding change: c.1207A>G on transcript NM_001563.4 (MANE Select); coding-DNA position 1207, A replaced by G.
Protein change: p.Thr403Ala; replaces threonine 403 with alanine.
Molecular consequence: missense variant.
Genome position (GRCh38, 1-based): chr6:76,003,879, T>C on the plus strand (A>G on the coding strand, the complement: IMPG1 is on the minus strand). VCF-style: chr6-76003879-T-C. GRCh37 (hg19) VCF-style: chr6-76713596-T-C.
Other names: c.973A>G, p.Thr325Ala (NM_001282368.2); short protein forms T325A, T403A.
Identifiers: ClinVar variation 1998771 (VCV001998771.5), dbSNP rs1448968485, ClinGen allele CA364770828.

ClinVar aggregate classification (germline): Uncertain significance. Review status: criteria provided, multiple submitters, no conflicts (2 of 4 stars). 2 submissions from 2 submitters: Uncertain significance (2). Last evaluated 2025-08-25.

Allele frequency attached by ClinVar (database versions not stated): gnomAD exomes below 0.00001; gnomAD 0.00001; TOPMed 0.00001.
gnomAD v4.1: 2 of 1,611,786 alleles (0.00012%); highest among the groups gnomAD compares: African/African-American, 0.0027%; no homozygotes.

Submissions (2):

Labcorp Genetics (formerly Invitae), Labcorp
Classification: Uncertain significance. Last evaluated: 2025-08-25. Review status: criteria provided, single submitter. Criteria: Invitae Variant Classification Sherloc (09022015). Collection method: clinical testing. Allele origin: germline.
Comment: This sequence change replaces threonine, which is neutral and polar, with alanine, which is neutral and non-polar, at codon 403 of the IMPG1 protein (p.Thr403Ala). This variant is present in population databases (no rsID available, gnomAD 0.01%). This variant has not been reported in the literature in individuals affected with IMPG1-related conditions. ClinVar contains an entry for this variant (Variation ID: 1998771). An algorithm developed to predict the effect of missense changes on protein structure and function outputs the following: PolyPhen-2: "Benign". The alanine amino acid residue is found in multiple mammalian species, which suggests that this missense change does not adversely affect protein function. In summary, the available evidence is currently insufficient to determine the role of this variant in disease. Therefore, it has been classified as a Variant of Uncertain Significance.

Blueprint Genetics
Classification: Uncertain significance. Last evaluated: 2021-12-01. Review status: criteria provided, single submitter. Criteria: ACMG Guidelines, 2015. Collection method: clinical testing. Allele origin: germline.